The following is an entry in ClinVar:

ClinVar aggregate classification (germline): Uncertain significance (1 of 4 stars; one submission).

Conditions:
Cowden syndrome (CS). Also called: Cowden's disease; Cowden's syndrome; Cowden disease. Identifiers: Orphanet 201, MedGen C0018553, MONDO:0016063. Disease mechanism: gain of function.

gnomAD v4.1: 1 of 1,606,960 alleles (0.000062%); highest among the groups gnomAD compares: Non-Finnish European, 0.000085%; no homozygotes.

Submission:

Labcorp Genetics (formerly Invitae), Labcorp
Classification: Uncertain significance for Cowden syndrome. Last evaluated: 2025-06-25. Review status: criteria provided, single submitter. Criteria: Invitae Variant Classification Sherloc (09022015). Collection method: clinical testing. Allele origin: germline.
Comment: This sequence change affects codon 793 of the PIK3CA mRNA. It is a 'silent' change, meaning that it does not change the encoded amino acid sequence of the PIK3CA protein. This variant is not present in population databases (gnomAD no frequency). This variant has not been reported in the literature in individuals affected with PIK3CA-related conditions. Algorithms developed to predict the effect of sequence changes on RNA splicing suggest that this variant may disrupt the consensus splice site. In summary, the available evidence is currently insufficient to determine the role of this variant in disease. Therefore, it has been classified as a Variant of Uncertain Significance.

NM_006218.4(PIK3CA):c.2379G>A (p.Leu793=)

Gene: PIK3CA (phosphatidylinositol-4,5-bisphosphate 3-kinase catalytic subunit alpha; plus strand). Cytogenetic location: 3q26.32.
Variant type: single nucleotide variant.
Coding change: c.2379G>A on transcript NM_006218.4 (MANE Select); coding-DNA position 2379, G replaced by A.
Protein change: p.Leu793=; no amino-acid change (leucine 793 retained).
Molecular consequence: synonymous variant.
Genome position (GRCh38, 1-based): chr3:179,224,784, G>A. VCF-style: chr3-179224784-G-A. GRCh37 (hg19) VCF-style: chr3-178942572-G-A.
Identifiers: ClinVar variation 4722149 (VCV004722149.1).